The following is an entry in ClinVar:

NM_004415.4(DSP):c.940-11T>C

Gene: DSP (desmoplakin; plus strand). Cytogenetic location: 6p24.3.
Variant type: single nucleotide variant.
Coding change: c.940-11T>C on transcript NM_004415.4 (MANE Select); 11 bases into the intron before coding-DNA position 940, T replaced by C.
Molecular consequence: intron variant.
Genome position (GRCh38, 1-based): chr6:7,566,366, T>C. VCF-style: chr6-7566366-T-C. GRCh37 (hg19) VCF-style: chr6-7566599-T-C.
Other names: c.940-11T>C (NM_001319034.2, NM_001008844.3).
Identifiers: ClinVar variation 2047425 (VCV002047425.6), dbSNP rs751776918, ClinGen allele CA053226.
Genomic context (GRCh38, chr6:7,566,366, plus strand): 5'-AAAGTACTGTGGGGGTGATGGAAGTTTAATGATGACTTGCTGCAAAGGATTTCTTATTTC[T>C]TCATTCACAGATACGCATGAGTCAACTGGAAGTTAAAGAAAAAGAGCTCAATAAGCTGAA-3'

ClinVar aggregate classification (germline): Likely benign. Review status: criteria provided, multiple submitters, no conflicts (2 of 4 stars). 3 submissions from 3 submitters: Likely benign (3). Last evaluated 2023-10-30.

Conditions:
Cardiomyopathy (CMYO). Also called: Cardiomyopathies. Identifiers: Orphanet 167848, MedGen C0878544, MONDO:0004994, HP:0001638. Inheritance: Various modes of inheritance.
Arrhythmogenic right ventricular dysplasia 8 (ARVD8). Also called: Arrhythmogenic Right Ventricular Dysplasia/Cardiomyopathy 8; ARRHYTHMOGENIC RIGHT VENTRICULAR DYSPLASIA, FAMILIAL, 8; ARRHYTHMOGENIC RIGHT VENTRICULAR CARDIOMYOPATHY 8. Identifiers: MedGen C1843896, MONDO:0011831, OMIM 607450.
Arrhythmogenic cardiomyopathy with wooly hair and keratoderma. Also called: Dilated cardiomyopathy with woolly hair and keratoderma; Arrhythmogenic cardiomyopathy with woolly hair and keratoderma; PALMOPLANTAR KERATODERMA WITH LEFT VENTRICULAR CARDIOMYOPATHY AND WOOLLY HAIR; Carvajal syndrome. Identifiers: Orphanet 65282, MedGen C1854063, MONDO:0011581, OMIM 605676.

Allele frequency attached by ClinVar (database versions not stated): ExAC 0.00001; gnomAD exomes 0.00001; TOPMed 0.00001.
gnomAD v4.1: 20 of 1,607,984 alleles (0.0012%); highest among the groups gnomAD compares: Non-Finnish European, 0.0017%; no homozygotes.

Submissions (3):

All of Us Research Program, National Institutes of Health
Classification: Likely benign for Arrhythmogenic cardiomyopathy with wooly hair and keratoderma. Last evaluated: 2023-10-30. Review status: criteria provided, single submitter. Criteria: ACMG Guidelines, 2015. Collection method: clinical testing. Allele origin: germline. Inheritance: Autosomal dominant inheritance. Observed: 2 variant alleles, 2 heterozygotes.
Comment: This study involves interpretation of variants in research participants for the purpose of population health screening. Participant phenotype was not available at the time of variant classification. Additional details can be found in publication PMID: 35346344, PMCID: PMC8962531

Color Diagnostics, LLC DBA Color Health
Classification: Likely benign for Cardiomyopathy. Last evaluated: 2023-06-22. Review status: criteria provided, single submitter. Criteria: ACMG Guidelines, 2015. Collection method: clinical testing. Allele origin: germline.

Labcorp Genetics (formerly Invitae), Labcorp
Classification: Likely benign for Arrhythmogenic cardiomyopathy with wooly hair and keratoderma; Arrhythmogenic right ventricular dysplasia 8. Last evaluated: 2023-03-28. Review status: criteria provided, single submitter. Criteria: Invitae Variant Classification Sherloc (09022015). Collection method: clinical testing. Allele origin: germline.